The following is an entry in ClinVar:

ClinVar aggregate classification (germline): Uncertain significance (1 of 4 stars; one submission).

Submission:

GeneDx
Classification: Uncertain significance. Last evaluated: 2026-03-27. Review status: criteria provided, single submitter. Criteria: GeneDx Variant Classification Process June 2021. Collection method: clinical testing. Allele origin: germline.
Comment: Not observed at significant frequency in large population cohorts (gnomAD); In silico analysis supports that this missense variant has a deleterious effect on protein structure/function; Has not been previously published as pathogenic or benign to our knowledge

NM_004415.4(DSP):c.7255A>G (p.Asn2419Asp)

Gene: DSP (desmoplakin; plus strand). Cytogenetic location: 6p24.3.
Variant type: single nucleotide variant.
Coding change: c.7255A>G on transcript NM_004415.4 (MANE Select); coding-DNA position 7255, A replaced by G.
Protein change: p.Asn2419Asp; replaces asparagine 2419 with aspartic acid.
Molecular consequence: missense variant.
Genome position (GRCh38, 1-based): chr6:7,584,517, A>G. VCF-style: chr6-7584517-A-G. GRCh37 (hg19) VCF-style: chr6-7584750-A-G.
Other names: c.5458A>G, p.Asn1820Asp (NM_001008844.3); c.5926A>G, p.Asn1976Asp (NM_001319034.2); short protein forms N1820D, N1976D, N2419D.
Identifiers: ClinVar variation 5017179 (VCV005017179.1).